The following is an entry in ClinVar:

NM_177438.3(DICER1):c.2256A>G (p.Ala752=)

Gene: DICER1 (dicer 1, ribonuclease III; minus strand). Cytogenetic location: 14q32.13.
Variant type: single nucleotide variant.
Coding change: c.2256A>G on transcript NM_177438.3 (MANE Select); coding-DNA position 2256, A replaced by G.
Protein change: p.Ala752=; no amino-acid change (alanine 752 retained).
Molecular consequence: synonymous variant.
Genome position (GRCh38, 1-based): chr14:95,111,317, T>C on the plus strand (A>G on the coding strand, the complement: DICER1 is on the minus strand). VCF-style: chr14-95111317-T-C. GRCh37 (hg19) VCF-style: chr14-95577654-T-C.
Other names: c.2256A>G, p.Ala752= (NM_001195573.1, NM_001271282.3, NM_001291628.2 and 1 more transcripts).
Identifiers: ClinVar variation 964405 (VCV000964405.12), dbSNP rs1891935682, ClinGen allele CA487628681.
Genomic context (GRCh38, chr14:95,111,317, plus strand): 5'-ATGTAGCGGAAAACAAAGTCAGAAATGCTAGGTTTTTACTCTGTTCTAACCAATACTAAC[T>C]GCTTTTGGGTAGCACTGCCTTCGTTTCGTGGAACCTGGTCTTCCTGGAACACTGGTCTCT-3'
Protein context (NP_803187.1, residues 742-762): STKRRQCYPK[Ala752=]IPECLRDSYP

ClinVar aggregate classification (germline): Uncertain significance. Review status: criteria provided, multiple submitters, no conflicts (2 of 4 stars). 2 submissions from 2 submitters: Uncertain significance (2). Last evaluated 2025-03-13.

Conditions:
DICER1-related tumor predisposition. Also called: DICER1-related pleuropulmonary blastoma cancer predisposition syndrome; DICER1 syndrome. Identifiers: Orphanet 284343, MedGen C3839822, MONDO:0100216.
Hereditary cancer-predisposing syndrome. Also called: Hereditary neoplastic syndrome; Hereditary Cancer Syndrome; Tumor predisposition; Neoplastic Syndromes, Hereditary. Identifiers: Orphanet 140162, MedGen C0027672, MeSH D009386, MONDO:0015356.

Allele frequency attached by ClinVar (database versions not stated): gnomAD exomes below 0.00001.
gnomAD v4.1: 1 of 1,614,214 alleles (0.000062%); highest among the groups gnomAD compares: African/African-American, 0.0013%; no homozygotes.

Submissions (2):

Ambry Genetics
Classification: Uncertain significance for Hereditary cancer-predisposing syndrome. Last evaluated: 2025-03-13. Review status: criteria provided, single submitter. Criteria: Ambry Variant Classification Scheme 2023. Collection method: clinical testing. Allele origin: germline.
Comment: The c.2256A>G variant (also known as p.A752A), located in coding exon 13 of the DICER1 gene, results from an A to G substitution at nucleotide position 2256. This nucleotide substitution does not change the amino acid at codon 752. However, this change occurs in the last base pair of coding exon 13, which makes it likely to have some effect on normal mRNA splicing. This nucleotide position is not well conserved in available vertebrate species. In silico splice site analysis predicts that this alteration will not have any significant effect on splicing. Based on the available evidence, the clinical significance of this variant remains unclear.

Labcorp Genetics (formerly Invitae), Labcorp
Classification: Uncertain significance for DICER1-related tumor predisposition. Last evaluated: 2019-10-15. Review status: criteria provided, single submitter. Criteria: Invitae Variant Classification Sherloc (09022015). Collection method: clinical testing. Allele origin: germline.
Comment: This sequence change affects codon 752 of the DICER1 mRNA. It is a 'silent' change, meaning that it does not change the encoded amino acid sequence of the DICER1 protein. This variant is not present in population databases (ExAC no frequency). This variant has not been reported in the literature in individuals with DICER1-related conditions. Algorithms developed to predict the effect of sequence changes on RNA splicing suggest that this variant may create or strengthen a splice site, but this prediction has not been confirmed by published transcriptional studies. In summary, the available evidence is currently insufficient to determine the role of this variant in disease. Therefore, it has been classified as a Variant of Uncertain Significance.